The following is an entry in ClinVar:

NM_018010.4(IFT57):c.463G>A (p.Ala155Thr)

Gene: IFT57 (intraflagellar transport 57; minus strand). Cytogenetic location: 3q13.13.
Variant type: single nucleotide variant.
Coding change: c.463G>A on transcript NM_018010.4 (MANE Select); coding-DNA position 463, G replaced by A.
Protein change: p.Ala155Thr; replaces alanine 155 with threonine.
Molecular consequence: missense variant.
Genome position (GRCh38, 1-based): chr3:108,218,566, C>T on the plus strand (G>A on the coding strand, the complement: IFT57 is on the minus strand). VCF-style: chr3-108218566-C-T. GRCh37 (hg19) VCF-style: chr3-107937413-C-T.
Other names: short protein forms A155T.
Identifiers: ClinVar variation 1937224 (VCV001937224.7), dbSNP rs770744325, ClinGen allele CA2526710.

ClinVar aggregate classification (germline): Uncertain significance. Review status: criteria provided, multiple submitters, no conflicts (2 of 4 stars). 2 submissions from 2 submitters: Uncertain significance (2). Last evaluated 2025-12-04.

Allele frequency attached by ClinVar (database versions not stated): ExAC 0.00002; gnomAD 0.00002; gnomAD exomes 0.00002; TOPMed 0.00003.
gnomAD v4.1: 34 of 1,556,486 alleles (0.0022%); highest among the groups gnomAD compares: African/African-American, 0.0028%; no homozygotes.

Submissions (2):

Ambry Genetics
Classification: Uncertain significance. Last evaluated: 2025-12-04. Review status: criteria provided, single submitter. Criteria: Ambry Variant Classification Scheme 2023. Collection method: clinical testing. Allele origin: germline.

Labcorp Genetics (formerly Invitae), Labcorp
Classification: Uncertain significance. Last evaluated: 2022-10-03. Review status: criteria provided, single submitter. Criteria: Invitae Variant Classification Sherloc (09022015). Collection method: clinical testing. Allele origin: germline.
Comment: In summary, the available evidence is currently insufficient to determine the role of this variant in disease. Therefore, it has been classified as a Variant of Uncertain Significance. Algorithms developed to predict the effect of missense changes on protein structure and function output the following: SIFT: "Deleterious"; PolyPhen-2: "Benign"; Align-GVGD: "Class C0". The threonine amino acid residue is found in multiple mammalian species, which suggests that this missense change does not adversely affect protein function. This variant has not been reported in the literature in individuals affected with IFT57-related conditions. This variant is present in population databases (rs770744325, gnomAD 0.003%). This sequence change replaces alanine, which is neutral and non-polar, with threonine, which is neutral and polar, at codon 155 of the IFT57 protein (p.Ala155Thr).